The following is an entry in ClinVar:

ClinVar aggregate classification (germline): Uncertain significance (1 of 4 stars; one submission).

Conditions:
PALLD-related disorder. Also called: PALLD-related condition.

Submission:

PreventionGenetics, part of Exact Sciences
Classification: Uncertain significance for PALLD-related condition. Last evaluated: 2025-01-07. Review status: criteria provided, single submitter. Criteria: ACMG Guidelines, 2015. Collection method: clinical testing. Allele origin: germline.
Comment: The PALLD c.2218A>G variant is predicted to result in the amino acid substitution p.Ser740Gly. To our knowledge, this variant has not been reported in the literature or in a large population database (gnomAD), indicating this variant is rare. At the time of reporting, this variant is absent in ClinVar. At this time, the clinical significance of this variant is uncertain due to the absence of conclusive functional and genetic evidence.

NM_001166108.2(PALLD):c.*89A>G

Genes: CBR4 (carbonyl reductase 4; minus strand), PALLD (palladin, cytoskeletal associated protein; plus strand). Cytogenetic location: 4q32.3.
Variant type: single nucleotide variant.
Coding change: c.*89A>G on transcript NM_001166108.2 (MANE Select); 89 bases downstream of the stop codon, A replaced by G.
Molecular consequence: 3 prime UTR variant. On other transcripts: missense variant (4).
Genome position (GRCh38, 1-based): chr4:168,926,269, A>G. VCF-style: chr4-168926269-A-G. GRCh37 (hg19) VCF-style: chr4-169847420-A-G.
Other names: c.2218A>G, p.Ser740Gly (NM_001166109.2); c.1903A>G, p.Ser635Gly (NM_001166110.2); c.*89A>G (NM_001367567.1, NM_001367570.1, NM_016081.4); c.1294A>G, p.Ser432Gly (NM_001367568.1); c.1243A>G, p.Ser415Gly (NM_001367569.1); short protein forms S415G, S432G, S635G, S740G.
Identifiers: ClinVar variation 4998050 (VCV004998050.1).